The following is an entry in ClinVar:

ClinVar aggregate classification (germline): Uncertain significance (1 of 4 stars; one submission).

Allele frequency attached by ClinVar (database versions not stated): gnomAD exomes below 0.00001; TOPMed below 0.00001; ExAC 0.00002.
gnomAD v4.1: 2 of 1,614,002 alleles (0.00012%); highest among the groups gnomAD compares: Non-Finnish European, 0.00017%; no homozygotes.

Submission:

Ambry Genetics
Classification: Uncertain significance. Last evaluated: 2024-05-17. Review status: criteria provided, single submitter. Criteria: Ambry Variant Classification Scheme 2023. Collection method: clinical testing. Allele origin: germline.
Comment: The p.W355L variant (also known as c.1064G>T), located in coding exon 9 of the FAM175A gene, results from a G to T substitution at nucleotide position 1064. The tryptophan at codon 355 is replaced by leucine, an amino acid with similar properties. This amino acid position is conserved. In addition, this alteration is predicted to be tolerated by in silico analysis. Since supporting evidence is limited at this time, the clinical significance of this alteration remains unclear.

NM_139076.3(ABRAXAS1):c.1064G>T (p.Trp355Leu)

Gene: ABRAXAS1 (abraxas 1, BRCA1 A complex subunit; minus strand). Cytogenetic location: 4q21.23.
Variant type: single nucleotide variant.
Coding change: c.1064G>T on transcript NM_139076.3 (MANE Select); coding-DNA position 1064, G replaced by T.
Protein change: p.Trp355Leu; replaces tryptophan 355 with leucine.
Molecular consequence: missense variant.
Genome position (GRCh38, 1-based): chr4:83,462,635, C>A on the plus strand (G>T on the coding strand, the complement: ABRAXAS1 is on the minus strand). VCF-style: chr4-83462635-C-A. GRCh37 (hg19) VCF-style: chr4-84383788-C-A.
Other names: c.737G>T, p.Trp246Leu (NM_001345962.2); short protein forms W246L, W355L.
Identifiers: ClinVar variation 1799638 (VCV001799638.3), dbSNP rs759694768, ClinGen allele CA2990383.